The following is an entry in ClinVar:

NM_003294.4(TPSAB1):c.825G>A (p.Pro275=)

Gene: TPSAB1 (tryptase alpha/beta 1; plus strand). Cytogenetic location: 16p13.3.
Variant type: single nucleotide variant.
Coding change: c.825G>A on transcript NM_003294.4 (MANE Select); coding-DNA position 825, G replaced by A.
Protein change: p.Pro275=; no amino-acid change (proline 275 retained).
Molecular consequence: synonymous variant.
Genome position (GRCh38, 1-based): chr16:1,242,237, G>A. VCF-style: chr16-1242237-G-A. GRCh37 (hg19) VCF-style: chr16-1292238-G-A.
Identifiers: ClinVar variation 2645889 (VCV002645889.24), dbSNP rs558346766, ClinGen allele CA7804096.
Genomic context (GRCh38, chr16:1,242,237, plus strand): 5'-CATCTACACCCGTGTCACCTACTACTTGGACTGGATCCACCACTATGTCCCCAAAAAGCC[G>A]TGAGTCAGGCCTGGGTTGGCCACCTGGGTCACTGGAGGACCAACCCCTGCTGTCCAAAAC-3'
Protein context (NP_003285.2, residues 265-275): DWIHHYVPKK[Pro275=]

ClinVar aggregate classification (germline): Likely benign (1 of 4 stars; one submission).

Allele frequency attached by ClinVar (database versions not stated): gnomAD 0.00005; ExAC 0.00009; TOPMed 0.00009; 1000 Genomes Project 30x 0.00016; 1000 Genomes Project 0.00020.

Submission:

CeGaT Center for Human Genetics Tuebingen
Classification: Likely benign. Last evaluated: 2023-10-01. Review status: criteria provided, single submitter. Criteria: CeGaT Center For Human Genetics Tuebingen Variant Classification Criteria Version 2. Collection method: clinical testing. Allele origin: germline. Affected: yes. Observed: 1 variant allele.
Comment: TPSAB1: BP4, BP7